The following is an entry in ClinVar:

ClinVar aggregate classification (germline): Uncertain significance (1 of 4 stars; one submission).

Allele frequency attached by ClinVar (database versions not stated): TOPMed below 0.00001; ExAC 0.00003.
gnomAD v4.1: 4 of 1,614,086 alleles (0.00025%); highest among the groups gnomAD compares: Admixed American, 0.0067%; no homozygotes.

Submission:

Labcorp Genetics (formerly Invitae), Labcorp
Classification: Uncertain significance. Last evaluated: 2024-09-16. Review status: criteria provided, single submitter. Criteria: Invitae Variant Classification Sherloc (09022015). Collection method: clinical testing. Allele origin: germline.
Comment: This sequence change replaces methionine with lysine at codon 710 of the VLDLR protein (p.Met710Lys). The methionine residue is moderately conserved and there is a moderate physicochemical difference between methionine and lysine. This variant is present in population databases (rs763686863, gnomAD 0.01%). This variant has not been reported in the literature in individuals affected with VLDLR-related conditions. ClinVar contains an entry for this variant (Variation ID: 1364767). Invitae Evidence Modeling of protein sequence and biophysical properties (such as structural, functional, and spatial information, amino acid conservation, physicochemical variation, residue mobility, and thermodynamic stability) indicates that this missense variant is not expected to disrupt VLDLR protein function with a negative predictive value of 80%. In summary, the available evidence is currently insufficient to determine the role of this variant in disease. Therefore, it has been classified as a Variant of Uncertain Significance.

NM_003383.5(VLDLR):c.2129T>A (p.Met710Lys)

Gene: VLDLR (very low density lipoprotein receptor; plus strand). Cytogenetic location: 9p24.2.
Variant type: single nucleotide variant.
Coding change: c.2129T>A on transcript NM_003383.5 (MANE Select); coding-DNA position 2129, T replaced by A.
Protein change: p.Met710Lys; replaces methionine 710 with lysine.
Molecular consequence: missense variant.
Genome position (GRCh38, 1-based): chr9:2,650,394, T>A. VCF-style: chr9-2650394-T-A. GRCh37 (hg19) VCF-style: chr9-2650394-T-A.
Other names: c.2129T>A, p.Met710Lys (NM_001018056.3); c.2006T>A, p.Met669Lys (NM_001322225.2, NM_001322226.2); short protein forms M710K, M669K.
Identifiers: ClinVar variation 1364767 (VCV001364767.5), dbSNP rs763686863, ClinGen allele CA4965083.
Genomic context (GRCh38, chr9:2,650,394, plus strand): 5'-AATACCCATTTTAATGGTATTTTTTTTCCTGACTAGGTAAAAATTGGTGTGAAGAAGACA[T>A]GGAGAATGGAGGATGTGAATACCTATGCCTGCCAGCACCACAGATTAATGATCACTCTCC-3'
Protein context (NP_003374.3, residues 700-720): PSGKNWCEED[Met710Lys]ENGGCEYLCL